The following is an entry in ClinVar:

NM_001854.4(COL11A1):c.2789_2790delinsGG (p.Pro930Arg)

Gene: COL11A1 (collagen type XI alpha 1 chain; minus strand). Cytogenetic location: 1p21.1.
Variant type: Indel.
Coding change: c.2789_2790delinsGG on transcript NM_001854.4 (MANE Select); coding-DNA positions 2789 to 2790, CT replaced by GG.
Protein change: p.Pro930Arg; replaces proline 930 with arginine.
Molecular consequence: missense variant. On other transcripts: non-coding transcript variant (1).
Genome position (GRCh38, 1-based): chr1:102,974,848-102,974,849, AG replaced by CC on the plus strand (CT replaced by GG on the coding strand, the reverse complement: COL11A1 is on the minus strand). VCF-style: chr1-102974848-AG-CC. GRCh37 (hg19) VCF-style: chr1-103440404-AG-CC.
Other names: c.2672_2673delinsGG, p.Pro891Arg (NM_001190709.2); c.2825_2826delinsGG, p.Pro942Arg (NM_080629.3); c.2441_2442delinsGG, p.Pro814Arg (NM_080630.4); short protein forms P814R, P891R, P930R, P942R.
Identifiers: ClinVar variation 3600926 (VCV003600926.1).

ClinVar aggregate classification (germline): Uncertain significance (1 of 4 stars; one submission).

Submission:

GeneDx
Classification: Uncertain significance. Last evaluated: 2024-07-23. Review status: criteria provided, single submitter. Criteria: GeneDx Variant Classification Process June 2021. Collection method: clinical testing. Allele origin: germline. Affected: yes.
Comment: Not observed at significant frequency in large population cohorts (gnomAD); In silico analysis supports a deleterious effect on protein structure/function; Has not been previously published as pathogenic or benign to our knowledge